The following is an entry in ClinVar:

NM_021831.6(AGBL5):c.2542A>G (p.Ile848Val)

Gene: AGBL5 (AGBL carboxypeptidase 5; plus strand). Cytogenetic location: 2p23.3.
Variant type: single nucleotide variant.
Coding change: c.2542A>G on transcript NM_021831.6 (MANE Select); coding-DNA position 2542, A replaced by G.
Protein change: p.Ile848Val; replaces isoleucine 848 with valine.
Molecular consequence: missense variant. On other transcripts: non-coding transcript variant (2).
Genome position (GRCh38, 1-based): chr2:27,070,144, A>G. VCF-style: chr2-27070144-A-G. GRCh37 (hg19) VCF-style: chr2-27293012-A-G.
Other names: c.2542A>G, p.Ile848Val (NM_001035506.1); short protein forms I848V.
Identifiers: ClinVar variation 1943157 (VCV001943157.2), dbSNP rs1451546253, ClinGen allele CA346142935.

ClinVar aggregate classification (germline): Uncertain significance (1 of 4 stars; one submission).

Allele frequency attached by ClinVar (database versions not stated): gnomAD exomes below 0.00001.
gnomAD v4.1: 4 of 1,614,058 alleles (0.00025%); highest among the groups gnomAD compares: Admixed American, 0.0033%; no homozygotes.

Submission:

Labcorp Genetics (formerly Invitae), Labcorp
Classification: Uncertain significance. Last evaluated: 2022-06-26. Review status: criteria provided, single submitter. Criteria: Invitae Variant Classification Sherloc (09022015). Collection method: clinical testing. Allele origin: germline.
Comment: This sequence change replaces isoleucine, which is neutral and non-polar, with valine, which is neutral and non-polar, at codon 848 of the AGBL5 protein (p.Ile848Val). This variant is present in population databases (no rsID available, gnomAD 0.006%). This variant has not been reported in the literature in individuals affected with AGBL5-related conditions. Algorithms developed to predict the effect of missense changes on protein structure and function (SIFT, PolyPhen-2, Align-GVGD) all suggest that this variant is likely to be tolerated. In summary, the available evidence is currently insufficient to determine the role of this variant in disease. Therefore, it has been classified as a Variant of Uncertain Significance.